The following is an entry in ClinVar:

ClinVar aggregate classification (germline): Uncertain significance (1 of 4 stars; one submission).

Submission:

GeneDx
Classification: Uncertain significance. Last evaluated: 2022-08-17. Review status: criteria provided, single submitter. Criteria: GeneDx Variant Classification Process June 2021. Collection method: clinical testing. Allele origin: germline. Affected: yes.
Comment: Not observed at significant frequency in large population cohorts (gnomAD); In silico analysis supports that this missense variant does not alter protein structure/function; Has not been previously published as pathogenic or benign to our knowledge

NM_000836.4(GRIN2D):c.2873C>T (p.Ala958Val)

Gene: GRIN2D (glutamate ionotropic receptor NMDA type subunit 2D; plus strand). Cytogenetic location: 19q13.33.
Variant type: single nucleotide variant.
Coding change: c.2873C>T on transcript NM_000836.4 (MANE Select); coding-DNA position 2873, C replaced by T.
Protein change: p.Ala958Val; replaces alanine 958 with valine.
Molecular consequence: missense variant.
Genome position (GRCh38, 1-based): chr19:48,442,799, C>T. VCF-style: chr19-48442799-C-T. GRCh37 (hg19) VCF-style: chr19-48946056-C-T.
Other names: short protein forms A958V.
Identifiers: ClinVar variation 2430597 (VCV002430597.1), dbSNP rs2513692005, ClinGen allele CA406674063.